The following is an entry in ClinVar:

NM_001243279.3(ACSF3):c.1137dup (p.Thr380fs)

Gene: ACSF3 (acyl-CoA synthetase family member 3; plus strand). Cytogenetic location: 16q24.3.
Variant type: Duplication.
Coding change: c.1137dup on transcript NM_001243279.3 (MANE Select); coding-DNA position 1137, one base duplicated (G; older notation c.1137dupG).
Protein change: p.Thr380fs; shifts the reading frame from threonine 380.
Molecular consequence: frameshift variant. On other transcripts: non-coding transcript variant (3).
Genome position (GRCh38, 1-based): chr16:89,120,811, G duplicated; the last of 4 consecutive G bases (chr16:89,120,808-89,120,811); duplicating any one gives the same sequence. VCF-style (leftmost placement, unchanged base first): chr16-89120807-T-TG. GRCh37 (hg19) VCF-style: chr16-89187215-T-TG.
Other names: c.1137dup, p.Thr380fs (NM_001127214.4, NM_174917.5); c.342dup, p.Thr115fs (NM_001284316.2); short protein forms T115fs, T380fs.
Identifiers: ClinVar variation 2005549 (VCV002005549.4), dbSNP rs2543677756, ClinGen allele CA2580092250.

ClinVar aggregate classification (germline): Pathogenic (1 of 4 stars; one submission).

Conditions:
Combined malonic and methylmalonic acidemia. Identifiers: Orphanet 289504, MedGen C3280314, MONDO:0013661, OMIM 614265.

Submission:

Labcorp Genetics (formerly Invitae), Labcorp
Classification: Pathogenic for Combined malonic and methylmalonic acidemia. Last evaluated: 2022-06-13. Review status: criteria provided, single submitter. Criteria: Invitae Variant Classification Sherloc (09022015). Collection method: clinical testing. Allele origin: germline.
Comment: For these reasons, this variant has been classified as Pathogenic. This variant has not been reported in the literature in individuals affected with ACSF3-related conditions. This variant is not present in population databases (gnomAD no frequency). This sequence change creates a premature translational stop signal (p.Thr380Aspfs*40) in the ACSF3 gene. It is expected to result in an absent or disrupted protein product. Loss-of-function variants in ACSF3 are known to be pathogenic (PMID: 21841779, 26827111).

Literature cited by the submitters: PubMed 21841779; PubMed 26827111.